The following is an entry in ClinVar:

NM_004370.6(COL12A1):c.5588G>T (p.Arg1863Leu)

Gene: COL12A1 (collagen type XII alpha 1 chain; minus strand). Cytogenetic location: 6q13.
Variant type: single nucleotide variant.
Coding change: c.5588G>T on transcript NM_004370.6 (MANE Select); coding-DNA position 5588, G replaced by T.
Protein change: p.Arg1863Leu; replaces arginine 1863 with leucine.
Molecular consequence: missense variant.
Genome position (GRCh38, 1-based): chr6:75,133,934, C>A on the plus strand (G>T on the coding strand, the complement: COL12A1 is on the minus strand). VCF-style: chr6-75133934-C-A. GRCh37 (hg19) VCF-style: chr6-75843650-C-A.
Other names: c.5588G>T (NM_004370.5); c.2096G>T, p.Arg699Leu (NM_080645.3); short protein forms R699L, R1863L.
Identifiers: ClinVar variation 1471962 (VCV001471962.9), dbSNP rs377417661, ClinGen allele CA3893078.
Genomic context (GRCh38, chr6:75,133,934, plus strand): 5'-CCTGCTGCTGGTGCATAGAAGAGCTTGTACTGACGAGGATTTCCCTCTGCATGGTCCCAG[C>A]GGACATTCAAGGTGCTGGTAGAAGGGTCATACACTCTCAGGTTCCTTACAGTGTTTAGAG-3'
Protein context (NP_004361.3, residues 1853-1873): YDPSTSTLNV[Arg1863Leu]WDHAEGNPRQ

ClinVar aggregate classification (germline): Uncertain significance. Review status: criteria provided, multiple submitters, no conflicts (2 of 4 stars). 2 submissions from 2 submitters: Uncertain significance (2). Last evaluated 2026-04-23.

Conditions:
Ullrich congenital muscular dystrophy 2 (UCMD2). Identifiers: Orphanet 75840, MedGen C4225314, MONDO:0014654, OMIM 616470.
Bethlem myopathy 2 (BTHLM2). Identifiers: Orphanet 536516, Orphanet 610, MedGen C4225313, MONDO:0034022, OMIM 616471.

Allele frequency attached by ClinVar (database versions not stated): ESP Exome Variant Server 0.00016.
gnomAD v4.1: 51 of 1,613,950 alleles (0.0032%); highest among the groups gnomAD compares: Non-Finnish European, 0.0042%; no homozygotes.

Submissions (2):

GeneDx
Classification: Uncertain significance. Last evaluated: 2026-04-23. Review status: criteria provided, single submitter. Criteria: GeneDx Variant Classification Process June 2021. Collection method: clinical testing. Allele origin: germline.
Comment: In silico analysis supports that this missense variant has a deleterious effect on protein structure/function; Has not been previously published as pathogenic or benign to our knowledge

Labcorp Genetics (formerly Invitae), Labcorp
Classification: Uncertain significance for Bethlem myopathy 2; Ullrich congenital muscular dystrophy 2. Last evaluated: 2026-01-04. Review status: criteria provided, single submitter. Criteria: Invitae Variant Classification Sherloc (09022015). Collection method: clinical testing. Allele origin: germline.
Comment: This sequence change replaces arginine, which is basic and polar, with leucine, which is neutral and non-polar, at codon 1863 of the COL12A1 protein (p.Arg1863Leu). This variant is present in population databases (rs377417661, gnomAD 0.006%). This variant has not been reported in the literature in individuals affected with COL12A1-related conditions. ClinVar contains an entry for this variant (Variation ID: 1471962). Invitae Evidence Modeling of protein sequence and biophysical properties (such as structural, functional, and spatial information, amino acid conservation, physicochemical variation, residue mobility, and thermodynamic stability) indicates that this missense variant is not expected to disrupt COL12A1 protein function with a negative predictive value of 80%. In summary, the available evidence is currently insufficient to determine the role of this variant in disease. Therefore, it has been classified as a Variant of Uncertain Significance.